The following is an entry in ClinVar:

NM_001376571.1(MADD):c.3722G>C (p.Ser1241Thr)

Gene: MADD (MAP kinase activating death domain; plus strand). Cytogenetic location: 11p11.2.
Variant type: single nucleotide variant.
Coding change: c.3722G>C on transcript NM_001376571.1 (MANE Select); coding-DNA position 3722, G replaced by C.
Protein change: p.Ser1241Thr; replaces serine 1241 with threonine.
Molecular consequence: missense variant. On other transcripts: non-coding transcript variant (8), intron variant (1).
Genome position (GRCh38, 1-based): chr11:47,296,018, G>C. VCF-style: chr11-47296018-G-C. GRCh37 (hg19) VCF-style: chr11-47317569-G-C.
Other names: c.3467G>C, p.Ser1156Thr (NM_001376618.1, NM_001376619.1, NM_001376621.1 and 4 more transcripts); c.3404G>C, p.Ser1135Thr (NM_001376620.1); c.3596G>C, p.Ser1199Thr (NM_001376622.1, NM_001376623.1, NM_001376579.1 and 3 more transcripts); c.3593G>C, p.Ser1198Thr (NM_001376624.1, NM_001376625.1); c.3506G>C, p.Ser1169Thr (NM_001376626.1, NM_001376648.1, NM_001376649.1 and 1 more transcripts); c.3377G>C, p.Ser1126Thr (NM_001376627.1, NM_001376659.1); c.3590G>C, p.Ser1197Thr (NM_001376628.1); c.3581G>C, p.Ser1194Thr (NM_001376629.1, NM_001376630.1, NM_001376581.1 and 1 more transcripts); and 35 more; short protein forms S1108T, S1112T, S1149T, S1169T, S1176T, S1179T, S1194T, S1197T.
Identifiers: ClinVar variation 2221332 (VCV002221332.4), dbSNP rs147860853, ClinGen allele CA5974898.

ClinVar aggregate classification (germline): Uncertain significance. Review status: criteria provided, multiple submitters, no conflicts (2 of 4 stars). 2 submissions from 2 submitters: Uncertain significance (2). Last evaluated 2025-08-07.

Conditions:
Inborn genetic diseases. Identifiers: MedGen C0950123, MeSH D030342.

Allele frequency attached by ClinVar (database versions not stated): ExAC 0.00003; gnomAD 0.00006; ESP Exome Variant Server 0.00008; TOPMed 0.00010; gnomAD exomes 0.00015.
gnomAD v4.1: 221 of 1,614,056 alleles (0.014%); highest among the groups gnomAD compares: Non-Finnish European, 0.018%; no homozygotes.

Submissions (2):

Ambry Genetics
Classification: Uncertain significance for Inborn genetic diseases. Last evaluated: 2025-08-07. Review status: criteria provided, single submitter. Criteria: Ambry Variant Classification Scheme 2023. Collection method: clinical testing. Allele origin: germline.

GeneDx
Classification: Uncertain significance. Last evaluated: 2023-06-29. Review status: criteria provided, single submitter. Criteria: GeneDx Variant Classification Process June 2021. Collection method: clinical testing. Allele origin: germline. Affected: yes.
Comment: In silico analysis supports that this missense variant does not alter protein structure/function; Has not been previously published as pathogenic or benign to our knowledge